The following is an entry in ClinVar:

ClinVar aggregate classification (germline): Pathogenic (1 of 4 stars; one submission).

Conditions:
Amyotrophic lateral sclerosis type 4 (ALS4). Also called: NEURONOPATHY, DISTAL HEREDITARY MOTOR, WITH PYRAMIDAL FEATURES; AMYOTROPHIC LATERAL SCLEROSIS 4, JUVENILE. Identifiers: Orphanet 357043, MedGen C1865409, MONDO:0011223, OMIM 602433.
Spinocerebellar ataxia, autosomal recessive, with axonal neuropathy 2 (SCAN2). Also called: Ataxia-ocular apraxia-2; ATAXIA-OCULOMOTOR APRAXIA 2; Ataxia with Oculomotor Apraxia; Ataxia with Oculomotor Apraxia Type 2. Identifiers: Orphanet 64753, MedGen C1853761, MONDO:0018996, OMIM 606002.

Submission:

Labcorp Genetics (formerly Invitae), Labcorp
Classification: Pathogenic for Amyotrophic lateral sclerosis type 4; Spinocerebellar ataxia, autosomal recessive, with axonal neuropathy 2. Last evaluated: 2022-07-12. Review status: criteria provided, single submitter. Criteria: Invitae Variant Classification Sherloc (09022015). Collection method: clinical testing. Allele origin: germline.
Comment: This sequence change creates a premature translational stop signal (p.Gln2090*) in the SETX gene. It is expected to result in an absent or disrupted protein product. Loss-of-function variants in SETX are known to be pathogenic (PMID: 14770181). This variant is not present in population databases (gnomAD no frequency). This variant has not been reported in the literature in individuals affected with SETX-related conditions. ClinVar contains an entry for this variant (Variation ID: 954451). For these reasons, this variant has been classified as Pathogenic.

Literature cited by the submitters: PubMed 14770181.

NM_015046.7(SETX):c.6268C>T (p.Gln2090Ter)

Gene: SETX (senataxin; minus strand). Cytogenetic location: 9q34.13.
Variant type: single nucleotide variant.
Coding change: c.6268C>T on transcript NM_015046.7 (MANE Select); coding-DNA position 6268, C replaced by T.
Protein change: p.Gln2090Ter; replaces glutamine 2090 with a stop codon.
Molecular consequence: nonsense.
Genome position (GRCh38, 1-based): chr9:132,288,292, G>A on the plus strand (C>T on the coding strand, the complement: SETX is on the minus strand). VCF-style: chr9-132288292-G-A. GRCh37 (hg19) VCF-style: chr9-135163679-G-A.
Other names: c.6268C>T, p.Gln2090Ter (NM_001351527.2, NM_001351528.2); short protein forms Q2090*.
Identifiers: ClinVar variation 954451 (VCV000954451.8), dbSNP rs1844047388, ClinGen allele CA375337869.